The following is an entry in ClinVar:

NC_000018.10:g.31591133G>T

Gene: TTR (transthyretin; plus strand). Cytogenetic location: 18q12.1.
Variant type: single nucleotide variant.
Genome position: GRCh38 VCF-style: chr18-31591133-G-T. GRCh37 (hg19) VCF-style: chr18-29171096-G-T.
Identifiers: ClinVar variation 3771493 (VCV003771493.13).

ClinVar aggregate classification (germline): Likely benign (1 of 4 stars; one submission).

Submission:

CeGaT Center for Human Genetics Tuebingen
Classification: Likely benign. Last evaluated: 2026-08-01. Review status: criteria provided, single submitter. Criteria: CeGaT Center For Human Genetics Tuebingen Variant Classification Criteria Version 2. Collection method: clinical testing. Allele origin: germline. Affected: yes. Observed: 7 variant alleles.
Comment: TTR: BS1